The following is an entry in ClinVar:

ClinVar aggregate classification (germline): Benign (1 of 4 stars; one submission).

Conditions:
Growth delay due to insulin-like growth factor type 1 deficiency (IGF1D). Also called: GROWTH RETARDATION WITH SENSORINEURAL DEAFNESS AND MENTAL RETARDATION; IGF1 DEFICIENCY. Identifiers: Orphanet 73272, MedGen C1837475, MONDO:0012110, OMIM 608747.

Allele frequency attached by ClinVar (database versions not stated): 1000 Genomes Project 30x 0.00547; 1000 Genomes Project 0.00559; gnomAD 0.00711 and 0.00767; TOPMed 0.00808.

Submission:

Illumina Laboratory Services, Illumina
Classification: Benign for Growth delay due to insulin-like growth factor type 1 deficiency. Last evaluated: 2018-01-12. Review status: criteria provided, single submitter. Criteria: ICSL Variant Classification Criteria 13 December 2019. Collection method: clinical testing. Allele origin: germline.
Comment: This variant was observed in the ICSL laboratory as part of a predisposition screen in an ostensibly healthy population. It had not been previously curated by ICSL or reported in the Human Gene Mutation Database (HGMD: prior to June 1st, 2018), and was therefore a candidate for classification through an automated scoring system. Utilizing variant allele frequency, disease prevalence and penetrance estimates, and inheritance mode, an automated score was calculated to assess if this variant is too frequent to cause the disease. Based on the score and internal cut-off values, a variant classified as benign is not then subjected to further curation. The score for this variant resulted in a classification of benign for this disease.

NM_000618.5(IGF1):c.*6311T>C

Genes: LINC02456 (long intergenic non-protein coding RNA 2456; plus strand), IGF1 (insulin like growth factor 1; minus strand). Cytogenetic location: 12q23.2.
Variant type: single nucleotide variant.
Coding change: c.*6311T>C on transcript NM_000618.5 (MANE Select); 6311 bases downstream of the stop codon, T replaced by C.
Molecular consequence: 3 prime UTR variant.
Genome position (GRCh38, 1-based): chr12:102,396,196, A>G on the plus strand (T>C on the coding strand, the complement: IGF1 is on the minus strand). VCF-style: chr12-102396196-A-G. GRCh37 (hg19) VCF-style: chr12-102789974-A-G.
Other names: c.*6345T>C (NM_001111283.3); c.*6311T>C (NM_001111284.2).
Identifiers: ClinVar variation 881780 (VCV000881780.4), dbSNP rs6215, ClinGen allele CA242628121.